The following is an entry in ClinVar:

NM_006950.3(SYN1):c.1504A>T (p.Ser502Cys)

Gene: SYN1 (synapsin I; minus strand). Cytogenetic location: Xp11.3.
Variant type: single nucleotide variant.
Coding change: c.1504A>T on transcript NM_006950.3 (MANE Select); coding-DNA position 1504, A replaced by T.
Protein change: p.Ser502Cys; replaces serine 502 with cysteine.
Molecular consequence: missense variant.
Genome position (GRCh38, 1-based): chrX:47,574,480, T>A on the plus strand (A>T on the coding strand, the complement: SYN1 is on the minus strand). VCF-style: chrX-47574480-T-A. GRCh37 (hg19) VCF-style: chrX-47433879-T-A.
Other names: c.1504A>T, p.Ser502Cys (NM_133499.2); short protein forms S502C.
Identifiers: ClinVar variation 1707008 (VCV001707008.2), dbSNP rs2519685025, ClinGen allele CA412823591.
Genomic context (GRCh38, chrX:47,574,480, plus strand): 5'-CCTGGGACGCGGGCTGCTGGGGCGCTGAGGTGGGACTTGGAAGGCGCTGGGGCAGGGGGC[T>A]GCCAGCTGGGGGTCCAAGGCCTGAAAGGTGCTGCTGGCCCTGCGGGGGCGGGCGCTGCTG-3'
Protein context (NP_008881.2, residues 492-512): HLSGLGPPAG[Ser502Cys]PLPQRLPSPT

ClinVar aggregate classification (germline): Uncertain significance (1 of 4 stars; one submission).

Submission:

GeneDx
Classification: Uncertain significance. Last evaluated: 2022-03-25. Review status: criteria provided, single submitter. Criteria: GeneDx Variant Classification Process June 2021. Collection method: clinical testing. Allele origin: germline. Affected: yes.
Comment: Not observed at significant frequency in large population cohorts (gnomAD); In silico analysis supports that this missense variant does not alter protein structure/function; Has not been previously published as pathogenic or benign to our knowledge